The following is an entry in ClinVar:

NM_000218.3(KCNQ1):c.1686-6C>T

Gene: KCNQ1 (potassium voltage-gated channel subfamily Q member 1; plus strand). Cytogenetic location: 11p15.5.
Variant type: single nucleotide variant.
Coding change: c.1686-6C>T on transcript NM_000218.3 (MANE Select); 6 bases into the intron before coding-DNA position 1686, C replaced by T.
Molecular consequence: intron variant.
Genome position (GRCh38, 1-based): chr11:2,776,980, C>T. VCF-style: chr11-2776980-C-T. GRCh37 (hg19) VCF-style: chr11-2798210-C-T.
Other names: c.1416-6C>T (NM_001406837.1); c.1590-6C>T (NM_001406836.1); c.1146-6C>T (NM_001406838.1); c.1305-6C>T (NM_181798.2).
Identifiers: ClinVar variation 3046431 (VCV003046431.3), dbSNP rs775952277, ClinGen allele CA032118.

ClinVar aggregate classification (germline): Likely benign. Review status: criteria provided, single submitter (1 of 4 stars). 2 submissions from 2 submitters: Likely benign (1). 1 of the submissions does not count toward it. Last evaluated 2024-08-06.

Conditions:
KCNQ1-related disorder. Also called: KCNQ1-related disorders; KCNQ1-related condition. Identifiers: MedGen CN239322.
Long QT syndrome (LQTS). Identifiers: MedGen C0023976, MeSH D008133, MONDO:0002442. Disease mechanism: loss of function. Inheritance: Various modes of inheritance.

Allele frequency attached by ClinVar (database versions not stated): gnomAD exomes below 0.00001; ExAC 0.00001; gnomAD 0.00001; TOPMed 0.00002.
gnomAD v4.1: 6 of 1,613,960 alleles (0.00037%); highest among the groups gnomAD compares: African/African-American, 0.008%; no homozygotes.

Submissions (2):

All of Us Research Program, National Institutes of Health
Classification: Likely benign for Long QT syndrome. Last evaluated: 2024-08-06. Review status: criteria provided, single submitter. Criteria: ACMG Guidelines, 2015. Collection method: clinical testing. Allele origin: germline. Inheritance: Autosomal dominant inheritance. Observed: 2 variant alleles, 2 heterozygotes.
Comment: This study involves interpretation of variants in research participants for the purpose of population health screening. Participant phenotype was not available at the time of variant classification. Additional details can be found in publication PMID: 35346344, PMCID: PMC8962531

PreventionGenetics, part of Exact Sciences
Classification: Likely benign for KCNQ1-related condition. Last evaluated: 2023-06-12. Review status: no assertion criteria provided. Collection method: clinical testing. Allele origin: germline. Not counted in ClinVar's aggregate classification.
Comment: This variant is classified as likely benign based on ACMG/AMP sequence variant interpretation guidelines (Richards et al. 2015 PMID: 25741868, with internal and published modifications).